The following is an entry in ClinVar:

ClinVar aggregate classification (germline): Uncertain significance. Review status: criteria provided, single submitter (1 of 4 stars). 2 submissions from 2 submitters: Uncertain significance (1). 1 of the submissions does not count toward it. Last evaluated 2025-11-06.

Conditions:
Autosomal dominant Parkinson disease 8. Also called: LRRK2-Related Parkinson Disease; Parkinson disease 8; Parkinson disease 8, susceptibility to. Identifiers: Orphanet 411602, MedGen C1846862, MONDO:0011764, OMIM 607060.

Allele frequency attached by ClinVar (database versions not stated): ExAC 0.00006; gnomAD exomes 0.00002 and 0.00007; TOPMed 0.00007; gnomAD 0.00004 and 0.00003.
gnomAD v4.1: 40 of 1,587,886 alleles (0.0025%); highest among the groups gnomAD compares: Admixed American, 0.038%; no homozygotes.

Submissions (2):

Labcorp Genetics (formerly Invitae), Labcorp
Classification: Uncertain significance for Autosomal dominant Parkinson disease 8. Last evaluated: 2025-11-06. Review status: criteria provided, single submitter. Criteria: Invitae Variant Classification Sherloc (09022015). Collection method: clinical testing. Allele origin: germline.
Comment: This sequence change replaces isoleucine, which is neutral and non-polar, with valine, which is neutral and non-polar, at codon 1192 of the LRRK2 protein (p.Ile1192Val). This variant is present in population databases (rs281865047, gnomAD 0.04%), and has an allele count higher than expected for a pathogenic variant. This missense change has been observed in individual(s) with Parkinson's disease (PMID: 17804834). ClinVar contains an entry for this variant (Variation ID: 39168). Invitae Evidence Modeling of protein sequence and biophysical properties (such as structural, functional, and spatial information, amino acid conservation, physicochemical variation, residue mobility, and thermodynamic stability) has been performed for this missense variant. However, the output from this modeling did not meet the statistical confidence thresholds required to predict the impact of this variant on LRRK2 protein function. Experimental studies have shown that this missense change does not substantially affect LRRK2 function (PMID: 20642453, 35950872). In summary, the available evidence is currently insufficient to determine the role of this variant in disease. Therefore, it has been classified as a Variant of Uncertain Significance.

GeneReviews
No classification provided. Condition: Autosomal dominant Parkinson disease 8. Review status: no classification provided. Collection method: literature only. Allele origin: unknown. Not counted in ClinVar's aggregate classification.

Literature cited by the submitters: PubMed 17804834 (cited by Labcorp Genetics (formerly Invitae), Labcorp); PubMed 20642453 (cited by Labcorp Genetics (formerly Invitae), Labcorp); PubMed 35950872 (cited by Labcorp Genetics (formerly Invitae), Labcorp); PubMed 20301387 (cited by GeneReviews); NCBI Bookshelf NBK1208 (cited by GeneReviews).

NM_198578.4(LRRK2):c.3574A>G (p.Ile1192Val)

Gene: LRRK2 (leucine rich repeat kinase 2; plus strand). Cytogenetic location: 12q12.
Variant type: single nucleotide variant.
Coding change: c.3574A>G on transcript NM_198578.4 (MANE Select); coding-DNA position 3574, A replaced by G.
Protein change: p.Ile1192Val; replaces isoleucine 1192 with valine.
Molecular consequence: missense variant.
Genome position (GRCh38, 1-based): chr12:40,302,866, A>G. VCF-style: chr12-40302866-A-G. GRCh37 (hg19) VCF-style: chr12-40696668-A-G.
Other names: short protein forms I1192V.
Identifiers: ClinVar variation 39168 (VCV000039168.9), dbSNP rs281865047, ClinGen allele CA343547.